The following is an entry in ClinVar:

NM_030665.4(RAI1):c.19A>G (p.Arg7Gly)

Gene: RAI1 (retinoic acid induced 1; plus strand). Cytogenetic location: 17p11.2.
Variant type: single nucleotide variant.
Coding change: c.19A>G on transcript NM_030665.4 (MANE Select); coding-DNA position 19, A replaced by G.
Protein change: p.Arg7Gly; replaces arginine 7 with glycine.
Molecular consequence: missense variant.
Genome position (GRCh38, 1-based): chr17:17,792,967, A>G. VCF-style: chr17-17792967-A-G. GRCh37 (hg19) VCF-style: chr17-17696281-A-G.
Other names: short protein forms R7G.
Identifiers: ClinVar variation 4737056 (VCV004737056.1).
Genomic context (GRCh38, chr17:17,792,967, plus strand): 5'-CCCTCCCTTCCTTTTTCTTTTCACAGATAACCAGCCCGAGTCATGCAGTCTTTTCGAGAA[A>G]GGTGTGGTTTCCATGGCAAACAACAGAACTACCAGCAGACCTCGCAGGAAACATCACGCC-3'
Protein context (NP_109590.3, residues 1-17): MQSFRE[Arg7Gly]CGFHGKQQNY

ClinVar aggregate classification (germline): Uncertain significance (1 of 4 stars; one submission).

gnomAD v4.1: 16 of 1,613,608 alleles (0.00099%); highest among the groups gnomAD compares: Non-Finnish European, 0.0014%; no homozygotes.

Submission:

Labcorp Genetics (formerly Invitae), Labcorp
Classification: Uncertain significance. Last evaluated: 2025-06-05. Review status: criteria provided, single submitter. Criteria: Invitae Variant Classification Sherloc (09022015). Collection method: clinical testing. Allele origin: germline.
Comment: This sequence change replaces arginine, which is basic and polar, with glycine, which is neutral and non-polar, at codon 7 of the RAI1 protein (p.Arg7Gly). This variant is not present in population databases (gnomAD no frequency). This variant has not been reported in the literature in individuals affected with RAI1-related conditions. Invitae Evidence Modeling of protein sequence and biophysical properties (such as structural, functional, and spatial information, amino acid conservation, physicochemical variation, residue mobility, and thermodynamic stability) indicates that this missense variant is expected to disrupt RAI1 protein function with a positive predictive value of 80%. In summary, the available evidence is currently insufficient to determine the role of this variant in disease. Therefore, it has been classified as a Variant of Uncertain Significance.